The following is an entry in ClinVar:

NM_152703.5(SAMD9L):c.292A>G (p.Thr98Ala)

Gene: SAMD9L (sterile alpha motif domain containing 9 like; minus strand). Cytogenetic location: 7q21.2.
Variant type: single nucleotide variant.
Coding change: c.292A>G on transcript NM_152703.5 (MANE Select); coding-DNA position 292, A replaced by G.
Protein change: p.Thr98Ala; replaces threonine 98 with alanine.
Molecular consequence: missense variant.
Genome position (GRCh38, 1-based): chr7:93,135,680, T>C on the plus strand (A>G on the coding strand, the complement: SAMD9L is on the minus strand). VCF-style: chr7-93135680-T-C. GRCh37 (hg19) VCF-style: chr7-92764993-T-C.
Other names: c.292A>G, p.Thr98Ala (NM_001303496.3, NM_001303497.3, NM_001303498.3 and 5 more transcripts); short protein forms T98A.
Identifiers: ClinVar variation 3792452 (VCV003792452.1).

ClinVar aggregate classification (germline): Uncertain significance (1 of 4 stars; one submission).

Conditions:
Inborn genetic diseases. Identifiers: MedGen C0950123, MeSH D030342.

gnomAD v4.1: 2 of 1,614,074 alleles (0.00012%); highest among the groups gnomAD compares: Non-Finnish European, 0.00017%; no homozygotes.

Submission:

Ambry Genetics
Classification: Uncertain significance for Inborn genetic diseases. Last evaluated: 2025-02-25. Review status: criteria provided, single submitter. Criteria: Ambry Variant Classification Scheme 2023. Collection method: clinical testing. Allele origin: germline.
Comment: The p.T98A variant (also known as c.292A>G), located in coding exon 1 of the SAMD9L gene, results from an A to G substitution at nucleotide position 292. The threonine at codon 98 is replaced by alanine, an amino acid with similar properties. This amino acid position is conserved. In addition, this alteration is predicted to be tolerated by in silico analysis. Based on the available evidence, the clinical significance of this variant remains unclear.